The following is an entry in ClinVar:

NM_004817.4(TJP2):c.2668-13C>G

Gene: TJP2 (tight junction protein 2; plus strand). Cytogenetic location: 9q21.11.
Variant type: single nucleotide variant.
Coding change: c.2668-13C>G on transcript NM_004817.4 (MANE Select); 13 bases into the intron before coding-DNA position 2668, C replaced by G.
Molecular consequence: intron variant.
Genome position (GRCh38, 1-based): chr9:69,247,999, C>G. VCF-style: chr9-69247999-C-G. GRCh37 (hg19) VCF-style: chr9-71862915-C-G.
Other names: c.2599-13C>G (NM_001170414.2, NM_001369871.1); c.2593-13C>G (NM_001369870.1); c.2668-13C>G (NM_201629.3, NM_001369872.1); c.2667+1209C>G (NM_001369873.1); c.2680-13C>G (NM_001170415.1, NM_001369875.1, NM_001369874.1); c.2761-13C>G (NM_001170416.2).
Identifiers: ClinVar variation 3362137 (VCV003362137.1).

ClinVar aggregate classification (germline): Uncertain significance (1 of 4 stars; one submission).

gnomAD v4.1: 1 of 1,583,694 alleles (0.000063%); highest among the groups gnomAD compares: Admixed American, 0.0017%; no homozygotes.

Submission:

GeneDx
Classification: Uncertain significance. Last evaluated: 2023-05-31. Review status: criteria provided, single submitter. Criteria: GeneDx Variant Classification Process June 2021. Collection method: clinical testing. Allele origin: germline. Affected: yes.
Comment: Not observed at significant frequency in large population cohorts (gnomAD); In silico analysis supports a deleterious effect on splicing; Has not been previously published as pathogenic or benign to our knowledge